The following is an entry in ClinVar:

NM_007129.5(ZIC2):c.171G>A (p.Met57Ile)

Gene: ZIC2 (Zic family zinc finger 2; plus strand). Cytogenetic location: 13q32.3.
Variant type: single nucleotide variant.
Coding change: c.171G>A on transcript NM_007129.5 (MANE Select); coding-DNA position 171, G replaced by A.
Protein change: p.Met57Ile; replaces methionine 57 with isoleucine.
Molecular consequence: missense variant.
Genome position (GRCh38, 1-based): chr13:99,982,235, G>A. VCF-style: chr13-99982235-G-A. GRCh37 (hg19) VCF-style: chr13-100634489-G-A.
Other names: short protein forms M57I.
Identifiers: ClinVar variation 1306100 (VCV001306100.25), dbSNP rs794726934, ClinGen allele CA388636707.
Genomic context (GRCh38, chr13:99,982,235, plus strand): 5'-CCGTGAACTGAGCCTGGCGGCGGCGCAGAACGGCTTCGTTGACTCCGCCGCCGCGCACAT[G>A]GGAGCCTTCAAGCTCAACCCGGGCGCGCACGAGCTGTCCCCGGGCCAGAGCTCGGCGTTC-3'
Protein context (NP_009060.2, residues 47-67): NGFVDSAAAH[Met57Ile]GAFKLNPGAH

ClinVar aggregate classification (germline): Uncertain significance. Review status: criteria provided, multiple submitters, no conflicts (2 of 4 stars). 2 submissions from 2 submitters: Uncertain significance (2). Last evaluated 2023-11-01.

Submissions (2):

CeGaT Center for Human Genetics Tuebingen
Classification: Uncertain significance. Last evaluated: 2023-11-01. Review status: criteria provided, single submitter. Criteria: CeGaT Center For Human Genetics Tuebingen Variant Classification Criteria Version 2. Collection method: clinical testing. Allele origin: germline. Affected: yes. Observed: 1 variant allele.
Comment: ZIC2: PM2, PP2, PS4:Supporting

GeneDx
Classification: Uncertain significance. Last evaluated: 2019-02-19. Review status: criteria provided, single submitter. Criteria: GeneDx Variant Classification Process June 2021. Collection method: clinical testing. Allele origin: germline. Affected: yes.
Comment: Not observed in large population cohorts (Lek et al., 2016); In silico analysis, which includes protein predictors and evolutionary conservation, supports that this variant does not alter protein structure/function; Has not been previously published as pathogenic or benign to our knowledge